The following is an entry in ClinVar:

ClinVar aggregate classification (germline): Uncertain significance. Review status: criteria provided, multiple submitters, no conflicts (2 of 4 stars). 9 submissions from 6 submitters: Uncertain significance (9). Last evaluated 2025-05-13.

Conditions:
Hypokalemic periodic paralysis, type 1. Also called: HypoPP; Hypokalemic Periodic Paralysis Type 1 (AD). Identifiers: Orphanet 681, MedGen C3714580, MONDO:0042979, OMIM 170400.
Thyrotoxic periodic paralysis, susceptibility to, 1 (TTPP1). Identifiers: Orphanet 79102, MedGen C2749982, MONDO:0008570, OMIM 188580.
Malignant hyperthermia, susceptibility to, 5 (MHS5). Also called: CACNA1S-Related Malignant Hyperthermia Susceptibility. Identifiers: Orphanet 423, MedGen C1866077, MONDO:0011163, OMIM 601887.
CACNA1S-related disorder. Also called: CACNA1S-related condition.
Congenital myopathy 18. Also called: Myopathy, congenital, due to dihydropyridine receptor defect; DIHYDROPYRIDINE RECEPTOR CONGENITAL MYOPATHY; DHPR CONGENITAL MYOPATHY. Identifiers: MedGen C5830283, MONDO:0859514, OMIM 620246.

Submissions (9):

Color Diagnostics, LLC DBA Color Health
Classification: Uncertain significance for Malignant hyperthermia, susceptibility to, 5. Last evaluated: 2025-05-13. Review status: criteria provided, single submitter. Criteria: ACMG Guidelines, 2015. Collection method: clinical testing. Allele origin: germline.
Comment: This missense variant replaces arginine with tyrosine at codon 1658 of the CACNA1S protein. To our knowledge, functional studies have not been reported for this variant. This variant has not been reported in individuals affected with CACNA1S-related disorders in the literature. This variant has not been identified in the general population by the Genome Aggregation Database (gnomAD). The available evidence is insufficient to determine the role of this variant in disease conclusively. Therefore, this variant is classified as a Variant of Uncertain Significance.

Labcorp Genetics (formerly Invitae), Labcorp
Classification: Uncertain significance for Hypokalemic periodic paralysis, type 1; Malignant hyperthermia, susceptibility to, 5. Last evaluated: 2024-01-10. Review status: criteria provided, single submitter. Criteria: Invitae Variant Classification Sherloc (09022015). Collection method: clinical testing. Allele origin: germline.
Comment: This sequence change replaces arginine, which is basic and polar, with tyrosine, which is neutral and polar, at codon 1658 of the CACNA1S protein (p.Arg1658Tyr). This variant is present in population databases (no rsID available, gnomAD 0.03%). This variant has not been reported in the literature in individuals affected with CACNA1S-related conditions. ClinVar contains an entry for this variant (Variation ID: 541041). An algorithm developed to predict the effect of missense changes on protein structure and function (PolyPhen-2) suggests that this variant¬†is likely to be tolerated. In summary, the available evidence is currently insufficient to determine the role of this variant in disease. Therefore, it has been classified as a Variant of Uncertain Significance.

Genome-Nilou Lab
Classification: Uncertain significance for Malignant hyperthermia, susceptibility to, 5. Last evaluated: 2023-04-11. Review status: criteria provided, single submitter. Criteria: ACMG Guidelines, 2015. Collection method: clinical testing. Allele origin: germline. Affected: no.

Genome-Nilou Lab
Classification: Uncertain significance for Thyrotoxic periodic paralysis, susceptibility to, 1. Last evaluated: 2023-04-11. Review status: criteria provided, single submitter. Criteria: ACMG Guidelines, 2015. Collection method: clinical testing. Allele origin: germline. Affected: no.

Genome-Nilou Lab
Classification: Uncertain significance for Congenital myopathy 18. Last evaluated: 2023-04-11. Review status: criteria provided, single submitter. Criteria: ACMG Guidelines, 2015. Collection method: clinical testing. Allele origin: germline. Affected: no.

Genome-Nilou Lab
Classification: Uncertain significance for Hypokalemic periodic paralysis, type 1. Last evaluated: 2023-04-11. Review status: criteria provided, single submitter. Criteria: ACMG Guidelines, 2015. Collection method: clinical testing. Allele origin: germline. Affected: no.

PreventionGenetics, part of Exact Sciences
Classification: Uncertain significance for CACNA1S-related condition. Last evaluated: 2022-10-11. Review status: criteria provided, single submitter. Criteria: ACMG Guidelines, 2015. Collection method: clinical testing. Allele origin: germline.
Comment: The CACNA1S c.4972_4973delinsTA variant is predicted to result in an in-frame deletion and insertion. To our knowledge, this variant has not been reported in the literature or in a large population database, indicating this variant is rare. However, c.4972C>T (p.Arg1658Cys) and c.4973G>A (p.Arg1658His) which occur at this same codon have been reported at minor allele frequencies that are inconsistent with autosomal dominant inheritance. This could indicate that this amino acid residue is tolerant to variation. Although we suspect this variant could be benign, at this time, the clinical significance of this variant is uncertain due to the absence of conclusive functional and genetic evidence.

Fulgent Genetics
Classification: Uncertain significance for Hypokalemic periodic paralysis, type 1; Thyrotoxic periodic paralysis, susceptibility to, 1; Malignant hyperthermia, susceptibility to, 5. Last evaluated: 2022-01-18. Review status: criteria provided, single submitter. Criteria: ACMG Guidelines, 2015. Collection method: clinical testing. Allele origin: unknown.

GeneDx
Classification: Uncertain significance. Last evaluated: 2021-12-07. Review status: criteria provided, single submitter. Criteria: GeneDx Variant Classification Process June 2021. Collection method: clinical testing. Allele origin: germline. Affected: yes.
Comment: In silico analysis supports that this variant does not alter protein structure/function; Has not been previously published as pathogenic or benign to our knowledge

NM_000069.3(CACNA1S):c.4972_4973delinsTA (p.Arg1658Tyr)

Gene: CACNA1S (calcium voltage-gated channel subunit alpha1 S; minus strand). Cytogenetic location: 1q32.1.
Variant type: Indel.
Coding change: c.4972_4973delinsTA on transcript NM_000069.3 (MANE Select); coding-DNA positions 4972 to 4973, CG replaced by TA.
Protein change: p.Arg1658Tyr; replaces arginine 1658 with tyrosine.
Molecular consequence: missense variant.
Genome position (GRCh38, 1-based): chr1:201,043,356-201,043,357, CG replaced by TA on the plus strand (CG replaced by TA on the coding strand, the reverse complement: CACNA1S is on the minus strand). VCF-style: chr1-201043356-CG-TA. GRCh37 (hg19) VCF-style: chr1-201012484-CG-TA.
Other names: c.4972_4973delinsTA (NM_000069.2); short protein forms R1658Y.
Identifiers: ClinVar variation 541041 (VCV000541041.14), dbSNP rs1553248123, ClinGen allele CA658795582.